The following is an entry in ClinVar:

ClinVar aggregate classification (germline): Benign. Review status: criteria provided, multiple submitters, no conflicts (2 of 4 stars). 2 submissions from 2 submitters: Benign (2). Last evaluated 2018-06-19.

Allele frequency attached by ClinVar (database versions not stated): TOPMed 0.55185; gnomAD 0.55835 and 0.56295; 1000 Genomes Project 30x 0.57355; 1000 Genomes Project 0.58347; gnomAD exomes 0.61919.
gnomAD v4.1: 945,452 of 1,541,818 alleles (61%); highest among the groups gnomAD compares: East Asian, 93%; 295,819 homozygotes.

Submissions (2):

GeneDx
Classification: Benign. Last evaluated: 2018-06-19. Review status: criteria provided, single submitter. Criteria: GeneDx Variant Classification (06012015). Collection method: clinical testing. Allele origin: germline. Affected: yes.
Comment: This variant is considered likely benign or benign based on one or more of the following criteria: it is a conservative change, it occurs at a poorly conserved position in the protein, it is predicted to be benign by multiple in silico algorithms, and/or has population frequency not consistent with disease.

Breakthrough Genomics
Classification: Benign. Review status: criteria provided, single submitter. Criteria: ACMG Guidelines, 2015. Collection method: not provided. Allele origin: germline. Inheritance: Autosomal dominant inheritance. Affected: yes.

NM_004863.4(SPTLC2):c.632-84T>C

Gene: SPTLC2 (serine palmitoyltransferase long chain base subunit 2; minus strand). Cytogenetic location: 14q24.3.
Variant type: single nucleotide variant.
Coding change: c.632-84T>C on transcript NM_004863.4 (MANE Select); 84 bases into the intron before coding-DNA position 632, T replaced by C.
Molecular consequence: intron variant.
Genome position (GRCh38, 1-based): chr14:77,570,592, A>G on the plus strand (T>C on the coding strand, the complement: SPTLC2 is on the minus strand). VCF-style: chr14-77570592-A-G. GRCh37 (hg19) VCF-style: chr14-78036935-A-G.
Identifiers: ClinVar variation 670567 (VCV000670567.2), dbSNP rs4903606, ClinGen allele CA263857420.